The following is an entry in ClinVar:

ClinVar aggregate classification (germline): Uncertain significance (1 of 4 stars; one submission).

Conditions:
Congenital sideroblastic anemia-B-cell immunodeficiency-periodic fever-developmental delay syndrome. Also called: Sideroblastic anemia with B-cell immunodeficiency, periodic fevers, and developmental delay. Identifiers: Orphanet 369861, MedGen C4015172, MONDO:0014487, OMIM 616084.

Allele frequency attached by ClinVar (database versions not stated): TOPMed below 0.00001; gnomAD 0.00001.
gnomAD v4.1: 2 of 1,613,774 alleles (0.00012%); highest among the groups gnomAD compares: African/African-American, 0.0027%; no homozygotes.

Submission:

Labcorp Genetics (formerly Invitae), Labcorp
Classification: Uncertain significance for Congenital sideroblastic anemia-B-cell immunodeficiency-periodic fever-developmental delay syndrome. Last evaluated: 2022-04-11. Review status: criteria provided, single submitter. Criteria: Invitae Variant Classification Sherloc (09022015). Collection method: clinical testing. Allele origin: germline.
Comment: This sequence change replaces leucine, which is neutral and non-polar, with valine, which is neutral and non-polar, at codon 324 of the TRNT1 protein (p.Leu324Val). This variant is present in population databases (no rsID available, gnomAD 0.01%). This variant has not been reported in the literature in individuals affected with TRNT1-related conditions. Algorithms developed to predict the effect of missense changes on protein structure and function (SIFT, PolyPhen-2, Align-GVGD) all suggest that this variant is likely to be tolerated. In summary, the available evidence is currently insufficient to determine the role of this variant in disease. Therefore, it has been classified as a Variant of Uncertain Significance.

NM_182916.3(TRNT1):c.970T>G (p.Leu324Val)

Gene: TRNT1 (tRNA nucleotidyl transferase 1; plus strand). Cytogenetic location: 3p26.2.
Variant type: single nucleotide variant.
Coding change: c.970T>G on transcript NM_182916.3 (MANE Select); coding-DNA position 970, T replaced by G.
Protein change: p.Leu324Val; replaces leucine 324 with valine.
Molecular consequence: missense variant. On other transcripts: non-coding transcript variant (8).
Genome position (GRCh38, 1-based): chr3:3,147,617, T>G. VCF-style: chr3-3147617-T-G. GRCh37 (hg19) VCF-style: chr3-3189301-T-G.
Other names: c.910T>G, p.Leu304Val (NM_001302946.2); c.970T>G, p.Leu324Val (NM_001367321.1, NM_001367322.1, NM_001367323.1); short protein forms L304V, L324V.
Identifiers: ClinVar variation 2178355 (VCV002178355.1), dbSNP rs1247465435, ClinGen allele CA351447959.